The following is an entry in ClinVar:

NM_001041.4(SI):c.4541-2A>T

Gene: SI (sucrase-isomaltase; minus strand). Cytogenetic location: 3q26.1.
Variant type: single nucleotide variant.
Coding change: c.4541-2A>T on transcript NM_001041.4 (MANE Select); the canonical splice acceptor site of the intron before coding-DNA position 4541, A replaced by T.
Molecular consequence: splice acceptor variant.
Genome position (GRCh38, 1-based): chr3:164,996,774, T>A on the plus strand (A>T on the coding strand, the complement: SI is on the minus strand). VCF-style: chr3-164996774-T-A. GRCh37 (hg19) VCF-style: chr3-164714562-T-A.
Identifiers: ClinVar variation 2991443 (VCV002991443.3), dbSNP rs749013790, ClinGen allele CA355030091.

ClinVar aggregate classification (germline): Likely pathogenic (1 of 4 stars; one submission).

Allele frequency attached by ClinVar (database versions not stated): gnomAD exomes 0.00001.
gnomAD v4.1: 9 of 1,018,180 alleles (0.00088%); highest among the groups gnomAD compares: Admixed American, 0.002%; no homozygotes.

Submission:

Labcorp Genetics (formerly Invitae), Labcorp
Classification: Likely pathogenic. Last evaluated: 2025-05-13. Review status: criteria provided, single submitter. Criteria: Invitae Variant Classification Sherloc (09022015). Collection method: clinical testing. Allele origin: germline.
Comment: This sequence change affects an acceptor splice site in intron 38 of the SI gene. It is expected to disrupt RNA splicing. Variants that disrupt the donor or acceptor splice site typically lead to a loss of protein function (PMID: 16199547), and loss-of-function variants in SI are known to be pathogenic (PMID: 16329100, 23103650, 25452324). The frequency data for this variant in the population databases is considered unreliable, as metrics indicate poor data quality at this position in the gnomAD database. This variant has not been reported in the literature in individuals affected with SI-related conditions. ClinVar contains an entry for this variant (Variation ID: 2991443). Algorithms developed to predict the effect of sequence changes on RNA splicing suggest that this variant may disrupt the consensus splice site. In summary, the currently available evidence indicates that the variant is pathogenic, but additional data are needed to prove that conclusively. Therefore, this variant has been classified as Likely Pathogenic.

Literature cited by the submitters: PubMed 16199547; PubMed 16329100; PubMed 23103650; PubMed 25452324.